The following is an entry in ClinVar:

ClinVar aggregate classification (germline): Likely benign. Review status: criteria provided, single submitter (1 of 4 stars). 2 submissions from 2 submitters: Likely benign (1). 1 of the submissions does not count toward it. Last evaluated 2024-10-30.

Conditions:
NR0B2-related disorder. Also called: NR0B2-related condition.

Allele frequency attached by ClinVar (database versions not stated): TOPMed 0.00003; gnomAD 0.00006 and 0.00007; gnomAD exomes 0.00006 and 0.00007; ESP Exome Variant Server 0.00008; ExAC 0.00011.
gnomAD v4.1: 90 of 1,613,724 alleles (0.0056%); highest among the groups gnomAD compares: Non-Finnish European, 0.0069%; no homozygotes.

Submissions (2):

Labcorp Genetics (formerly Invitae), Labcorp
Classification: Likely benign. Last evaluated: 2024-10-30. Review status: criteria provided, single submitter. Criteria: Invitae Variant Classification Sherloc (09022015). Collection method: clinical testing. Allele origin: germline.

PreventionGenetics, part of Exact Sciences
Classification: Likely benign for NR0B2-related condition. Last evaluated: 2023-01-30. Review status: no assertion criteria provided. Collection method: clinical testing. Allele origin: germline. Not counted in ClinVar's aggregate classification.
Comment: This variant is classified as likely benign based on ACMG/AMP sequence variant interpretation guidelines (Richards et al. 2015 PMID: 25741868, with internal and published modifications).

NM_021969.3(NR0B2):c.450A>G (p.Gln150=)

Genes: NR0B2 (nuclear receptor subfamily 0 group B member 2; minus strand), NUDC (nuclear distribution C, dynein complex regulator; plus strand). Cytogenetic location: 1p36.11.
Variant type: single nucleotide variant.
Coding change: c.450A>G on transcript NM_021969.3 (MANE Select); coding-DNA position 450, A replaced by G.
Protein change: p.Gln150=; no amino-acid change (glutamine 150 retained).
Molecular consequence: synonymous variant.
Genome position (GRCh38, 1-based): chr1:26,913,491, T>C on the plus strand (A>G on the coding strand, the complement: NR0B2 is on the minus strand). VCF-style: chr1-26913491-T-C. GRCh37 (hg19) VCF-style: chr1-27239982-T-C.
Identifiers: ClinVar variation 752885 (VCV000752885.7), dbSNP rs139159423, ClinGen allele CA709640.
Genomic context (GRCh38, chr1:26,913,491, plus strand): 5'-TTTCAGGCAGGCATATTCCTTGGGGCTAAGCTCCAGGCTCCAGAAGGACTCCAGACAGCA[T>C]TGAAGCCACTGCACCGCAGCCAGGGAGGGCTGGGGTCTGTCTGGCAGTTGGCCACTGCCT-3'
Protein context (NP_068804.1, residues 140-160): QPSLAAVQWL[Gln150=]CCLESFWSLE